The following is an entry in ClinVar:

ClinVar aggregate classification (germline): Uncertain significance (1 of 4 stars; one submission).

Conditions:
Cerebral creatine deficiency syndrome. Also called: Creatine deficiency syndromes. Identifiers: Orphanet 79172, MedGen C5244016, MONDO:0000456.

Submission:

Labcorp Genetics (formerly Invitae), Labcorp
Classification: Uncertain significance for Cerebral creatine deficiency syndrome. Last evaluated: 2025-02-24. Review status: criteria provided, single submitter. Criteria: Invitae Variant Classification Sherloc (09022015). Collection method: clinical testing. Allele origin: germline.
Comment: This sequence change replaces methionine, which is neutral and non-polar, with lysine, which is basic and polar, at codon 188 of the GAMT protein (p.Met188Lys). This variant is not present in population databases (gnomAD no frequency). This variant has not been reported in the literature in individuals affected with GAMT-related conditions. ClinVar contains an entry for this variant (Variation ID: 1062192). Invitae Evidence Modeling of protein sequence and biophysical properties (such as structural, functional, and spatial information, amino acid conservation, physicochemical variation, residue mobility, and thermodynamic stability) has been performed for this missense variant. However, the output from this modeling did not meet the statistical confidence thresholds required to predict the impact of this variant on GAMT protein function. In summary, the available evidence is currently insufficient to determine the role of this variant in disease. Therefore, it has been classified as a Variant of Uncertain Significance.

NM_000156.6(GAMT):c.563T>A (p.Met188Lys)

Gene: GAMT (guanidinoacetate N-methyltransferase; minus strand). Cytogenetic location: 19p13.3.
Variant type: single nucleotide variant.
Coding change: c.563T>A on transcript NM_000156.6 (MANE Select); coding-DNA position 563, T replaced by A.
Protein change: p.Met188Lys; replaces methionine 188 with lysine.
Molecular consequence: missense variant.
Genome position (GRCh38, 1-based): chr19:1,398,923, A>T on the plus strand (T>A on the coding strand, the complement: GAMT is on the minus strand). VCF-style: chr19-1398923-A-T. GRCh37 (hg19) VCF-style: chr19-1398922-A-T.
Other names: c.563T>A, p.Met188Lys (NM_138924.3); short protein forms M188K.
Identifiers: ClinVar variation 1062192 (VCV001062192.7), dbSNP rs1163644565, ClinGen allele CA402994027.
Genomic context (GRCh38, chr19:1,398,923, plus strand): 5'-CCCCATCCAAGGTCACTTCCTGGAGACCCATGGGGAACTTCAGGTGGGCGCACCTCAAAC[A>T]TGATGGTGATGTCTGAGTACTTGGACTTCATCAGCTCCCCCCAGGAGGTGAGGTTGCAGT-3'
Protein context (NP_000147.1, residues 178-198): MKSKYSDITI[Met188Lys]FEETQVPALL